The following is an entry in ClinVar:

ClinVar aggregate classification (germline): Uncertain significance (1 of 4 stars; one submission).

Conditions:
Mega-corpus-callosum syndrome with cerebellar hypoplasia and cortical malformations. Identifiers: MedGen C4748927, MONDO:0032648, OMIM 618273.

Submission:

Laboratorio de Genetica e Diagnostico Molecular, Hospital Israelita Albert Einstein
Classification: Uncertain significance for Mega-corpus-callosum syndrome with cerebellar hypoplasia and cortical malformations. Last evaluated: 2024-07-03. Review status: criteria provided, single submitter. Criteria: ACMG Guidelines, 2015. Collection method: clinical testing. Allele origin: germline. Affected: yes.
Comment: ACMG classification criteria: PM2 supporting, PP2 supporting, BP4 supporting

NM_014975.3(MAST1):c.2921G>A (p.Gly974Asp)

Gene: MAST1 (microtubule associated serine/threonine kinase 1; plus strand). Cytogenetic location: 19p13.13.
Variant type: single nucleotide variant.
Coding change: c.2921G>A on transcript NM_014975.3 (MANE Select); coding-DNA position 2921, G replaced by A.
Protein change: p.Gly974Asp; replaces glycine 974 with aspartic acid.
Molecular consequence: missense variant.
Genome position (GRCh38, 1-based): chr19:12,869,213, G>A. VCF-style: chr19-12869213-G-A. GRCh37 (hg19) VCF-style: chr19-12980027-G-A.
Other names: short protein forms G974D.
Identifiers: ClinVar variation 4056602 (VCV004056602.1).